The following is an entry in ClinVar:

ClinVar aggregate classification (germline): Conflicting classifications of pathogenicity. Review status: criteria provided, conflicting classifications (1 of 4 stars). 2 submissions from 2 submitters: Uncertain significance (1); Likely benign (1). Last evaluated 2025-02-11.

Allele frequency attached by ClinVar (database versions not stated): ExAC 0.00001; 1000 Genomes Project 30x 0.00021; gnomAD 0.00001; gnomAD exomes 0.00001 and 0.00002; TOPMed 0.00001; 1000 Genomes Project 0.00026.
gnomAD v4.1: 7 of 1,210,842 alleles (0.00058%); highest among the groups gnomAD compares: South Asian, 0.012%; no homozygotes.

Submissions (2):

Mayo Clinic Laboratories, Mayo Clinic
Classification: Likely benign. Last evaluated: 2025-02-11. Review status: criteria provided, single submitter. Criteria: ACMG Guidelines, 2015. Collection method: clinical testing. Allele origin: germline. Observed: 1 variant allele.
Comment: BP4, BP7

Genetic Services Laboratory, University of Chicago
Classification: Uncertain significance. Last evaluated: 2015-05-15. Review status: criteria provided, single submitter. Criteria: ACMG Guidelines, 2015. Collection method: clinical testing. Allele origin: germline.

NM_001110556.2(FLNA):c.5451G>A (p.Gln1817=)

Gene: FLNA (filamin A; minus strand). Cytogenetic location: Xq28.
Variant type: single nucleotide variant.
Coding change: c.5451G>A on transcript NM_001110556.2 (MANE Select); coding-DNA position 5451, G replaced by A.
Protein change: p.Gln1817=; no amino-acid change (glutamine 1817 retained).
Molecular consequence: synonymous variant.
Genome position (GRCh38, 1-based): chrX:154,354,257, C>T on the plus strand (G>A on the coding strand, the complement: FLNA is on the minus strand). VCF-style: chrX-154354257-C-T. GRCh37 (hg19) VCF-style: chrX-153582625-C-T.
Other names: p.Gln1809=; c.5427G>A, p.Gln1809= (NM_001456.4).
Identifiers: ClinVar variation 211018 (VCV000211018.7), dbSNP rs782390251, ClinGen allele CA205777.